The following is an entry in ClinVar:

ClinVar aggregate classification (germline): Uncertain significance (1 of 4 stars; one submission).

Conditions:
Combined oxidative phosphorylation defect type 27. Also called: Combined oxidative phosphorylation deficiency 27. Identifiers: Orphanet 477774, MedGen C5567608, MONDO:0014728, OMIM 616672.

Allele frequency attached by ClinVar (database versions not stated): gnomAD exomes below 0.00001.
gnomAD v4.1: 1 of 1,613,094 alleles (0.000062%); highest among the groups gnomAD compares: Admixed American, 0.0017%; no homozygotes.

Submission:

Labcorp Genetics (formerly Invitae), Labcorp
Classification: Uncertain significance for Combined oxidative phosphorylation defect type 27. Last evaluated: 2023-08-04. Review status: criteria provided, single submitter. Criteria: Invitae Variant Classification Sherloc (09022015). Collection method: clinical testing. Allele origin: germline.
Comment: Variants that disrupt the consensus splice site are a relatively common cause of aberrant splicing (PMID: 17576681, 9536098). Algorithms developed to predict the effect of sequence changes on RNA splicing suggest that this variant may disrupt the consensus splice site. This sequence change falls in intron 7 of the CARS2 gene. It does not directly change the encoded amino acid sequence of the CARS2 protein. It affects a nucleotide within the consensus splice site. This variant is present in population databases (no rsID available, gnomAD 0.003%). This variant has not been reported in the literature in individuals affected with CARS2-related conditions. ClinVar contains an entry for this variant (Variation ID: 1993348). In summary, the available evidence is currently insufficient to determine the role of this variant in disease. Therefore, it has been classified as a Variant of Uncertain Significance.

Literature cited by the submitters: PubMed 17576681; PubMed 9536098.

NM_024537.4(CARS2):c.786-3C>T

Gene: CARS2 (cysteinyl-tRNA synthetase 2, mitochondrial; minus strand). Cytogenetic location: 13q34.
Variant type: single nucleotide variant.
Coding change: c.786-3C>T on transcript NM_024537.4 (MANE Select); 3 bases into the intron before coding-DNA position 786, C replaced by T.
Molecular consequence: intron variant.
Genome position (GRCh38, 1-based): chr13:110,667,476, G>A on the plus strand (C>T on the coding strand, the complement: CARS2 is on the minus strand). VCF-style: chr13-110667476-G-A. GRCh37 (hg19) VCF-style: chr13-111319823-G-A.
Other names: c.-1-3C>T (NM_001352252.2); c.786-3C>T (NM_001352253.3).
Identifiers: ClinVar variation 1993348 (VCV001993348.4), dbSNP rs1448682855, ClinGen allele CA612644375.